The following is an entry in ClinVar:

ClinVar aggregate classification (germline): Likely benign (1 of 4 stars; one submission).

Conditions:
Hypertrophic cardiomyopathy 1 (CMH1). Also called: Familial hypertrophic cardiomyopathy 1; MYH7-Related Familial Hypertrophic Cardiomyopathy. Identifiers: MedGen C3495498, MONDO:0008647, OMIM 192600.

Submission:

Victorian Clinical Genetics Services, Murdoch Childrens Research Institute
Classification: Likely benign for Hypertrophic cardiomyopathy 1. Last evaluated: 2020-10-19. Review status: criteria provided, single submitter. Criteria: ACMG Guidelines, 2015. Collection method: clinical testing. Allele origin: germline. Inheritance: Autosomal dominant inheritance.
Comment: Based on the classification scheme VCGS_Germline_v1.1.1, this variant is classified as Likely benign. Following criteria are met: 0105 - The mechanism of disease for this gene is not clearly established. 0107 - This gene is reported to be associated with autosomal dominant disease, with digenic inheritance (OMIM). (N) 0251 - Variant is heterozygous. (N) 0212 - Non-canonical splice variant without proven consequence on splicing (no functional evidence available). (P) 0301 - Variant is absent from gnomAD. (P) 0506 - Abnormal splicing is not predicted and nucleotide is poorly conserved. (B) 0705 - No comparable variants have previous evidence for pathogenicity. (N) 0807 - Variant has not previously been reported in a clinical context. (N) 0905 - No segregation evidence has been identified for this variant. (N) 1007 - No published functional evidence has been identified for this variant. (N) 1208 - Segregation information for this variant is not currently available. (N) Legend: (P) - Pathogenic, (N) - Neutral, (B) - Benign

NM_033118.4(MYLK2):c.1424+6C>T

Gene: MYLK2 (myosin light chain kinase 2; plus strand). Cytogenetic location: 20q11.21.
Variant type: single nucleotide variant.
Coding change: c.1424+6C>T on transcript NM_033118.4 (MANE Select); 6 bases into the intron after coding-DNA position 1424, C replaced by T.
Molecular consequence: intron variant.
Genome position (GRCh38, 1-based): chr20:31,831,147, C>T. VCF-style: chr20-31831147-C-T. GRCh37 (hg19) VCF-style: chr20-30418950-C-T.
Identifiers: ClinVar variation 1806333 (VCV001806333.1), dbSNP rs2515460451, ClinGen allele CA1139532808.